The following is an entry in ClinVar:

ClinVar aggregate classification (germline): Likely benign. Review status: criteria provided, multiple submitters, no conflicts (2 of 4 stars). 3 submissions from 3 submitters: Likely benign (2). 1 of the submissions does not count toward it. Last evaluated 2025-02-18.

Conditions:
COASY-related disorder. Also called: COASY-related condition.
Neurodegeneration with brain iron accumulation 6 (NBIA6). Also called: COASY protein-associated neurodegeneration. Identifiers: Orphanet 397725, MedGen C4517377, MONDO:0014290, OMIM 615643.

Allele frequency attached by ClinVar (database versions not stated): gnomAD exomes 0.00002 and 0.00012; TOPMed 0.00002; gnomAD 0.00003 and 0.00004; ExAC 0.00005; ESP Exome Variant Server 0.00008.
gnomAD v4.1: 37 of 1,592,262 alleles (0.0023%); highest among the groups gnomAD compares: Admixed American, 0.058%; no homozygotes.

Submissions (3):

Labcorp Genetics (formerly Invitae), Labcorp
Classification: Likely benign for Neurodegeneration with brain iron accumulation 6. Last evaluated: 2025-02-18. Review status: criteria provided, single submitter. Criteria: Invitae Variant Classification Sherloc (09022015). Collection method: clinical testing. Allele origin: germline.

Blueprint Genetics
Classification: Likely benign. Last evaluated: 2019-01-11. Review status: criteria provided, single submitter. Criteria: ACMG Guidelines, 2015. Collection method: clinical testing. Allele origin: germline.

PreventionGenetics, part of Exact Sciences
Classification: Likely benign for COASY-related condition. Last evaluated: 2023-01-22. Review status: no assertion criteria provided. Collection method: clinical testing. Allele origin: germline. Not counted in ClinVar's aggregate classification.
Comment: This variant is classified as likely benign based on ACMG/AMP sequence variant interpretation guidelines (Richards et al. 2015 PMID: 25741868, with internal and published modifications).

NM_025233.7(COASY):c.121C>T (p.Leu41=)

Gene: COASY (Coenzyme A synthase; plus strand). Cytogenetic location: 17q21.2.
Variant type: single nucleotide variant.
Coding change: c.121C>T on transcript NM_025233.7 (MANE Select); coding-DNA position 121, C replaced by T.
Protein change: p.Leu41=; no amino-acid change (leucine 41 retained).
Molecular consequence: synonymous variant.
Genome position (GRCh38, 1-based): chr17:42,562,743, C>T. VCF-style: chr17-42562743-C-T. GRCh37 (hg19) VCF-style: chr17-40714761-C-T.
Other names: c.121C>T, p.Leu41= (NM_001042529.3); c.208C>T, p.Leu70= (NM_001042532.4); c.121C>T (NM_025233.6).
Identifiers: ClinVar variation 1590439 (VCV001590439.11), dbSNP rs376318601, ClinGen allele CA8577918.